The following is an entry in ClinVar:

NM_001369268.1(ACAN):c.1505G>C (p.Arg502Pro)

Gene: ACAN (aggrecan; plus strand). Cytogenetic location: 15q26.1.
Variant type: single nucleotide variant.
Coding change: c.1505G>C on transcript NM_001369268.1 (MANE Select); coding-DNA position 1505, G replaced by C.
Protein change: p.Arg502Pro; replaces arginine 502 with proline.
Molecular consequence: missense variant.
Genome position (GRCh38, 1-based): chr15:88,847,318, G>C. VCF-style: chr15-88847318-G-C. GRCh37 (hg19) VCF-style: chr15-89390549-G-C.
Other names: c.1505G>C, p.Arg502Pro (NM_001135.4, NM_013227.4); short protein forms R502P.
Identifiers: ClinVar variation 1374775 (VCV001374775.8), dbSNP rs144835580, ClinGen allele CA7719570.

ClinVar aggregate classification (germline): Uncertain significance (1 of 4 stars; one submission).

Allele frequency attached by ClinVar (database versions not stated): 1000 Genomes Project 30x 0.00016; 1000 Genomes Project 0.00020.
gnomAD v4.1: 41 of 1,577,170 alleles (0.0026%); highest among the groups gnomAD compares: East Asian, 0.086%; 1 homozygote.

Submission:

Labcorp Genetics (formerly Invitae), Labcorp
Classification: Uncertain significance. Last evaluated: 2026-02-02. Review status: criteria provided, single submitter. Criteria: Invitae Variant Classification Sherloc (09022015). Collection method: clinical testing. Allele origin: germline.
Comment: This sequence change replaces arginine, which is basic and polar, with proline, which is neutral and non-polar, at codon 502 of the ACAN protein (p.Arg502Pro). This variant is not present in population databases (gnomAD no frequency). This missense change has been observed in individual(s) with idiopathic short stature (PMID: 28768959). ClinVar contains an entry for this variant (Variation ID: 1374775). Invitae Evidence Modeling of protein sequence and biophysical properties (such as structural, functional, and spatial information, amino acid conservation, physicochemical variation, residue mobility, and thermodynamic stability) indicates that this missense variant is not expected to disrupt ACAN protein function with a negative predictive value of 80%. In summary, the available evidence is currently insufficient to determine the role of this variant in disease. Therefore, it has been classified as a Variant of Uncertain Significance.

Literature cited by the submitters: PubMed 28768959.